The following is an entry in ClinVar:

NM_145059.3(FCSK):c.379C>A (p.Leu127Met)

Gene: FCSK (fucose kinase; plus strand). Cytogenetic location: 16q22.1.
Variant type: single nucleotide variant.
Coding change: c.379C>A on transcript NM_145059.3 (MANE Select); coding-DNA position 379, C replaced by A.
Protein change: p.Leu127Met; replaces leucine 127 with methionine.
Molecular consequence: missense variant.
Genome position (GRCh38, 1-based): chr16:70,466,225, C>A. VCF-style: chr16-70466225-C-A. GRCh37 (hg19) VCF-style: chr16-70500128-C-A.
Other names: short protein forms L127M.
Identifiers: ClinVar variation 1050808 (VCV001050808.8), dbSNP rs376941268, ClinGen allele CA8142865.

ClinVar aggregate classification (germline): Uncertain significance. Review status: criteria provided, single submitter (1 of 4 stars). 2 submissions from 2 submitters: Uncertain significance (1). 1 of the submissions does not count toward it. Last evaluated 2025-10-01.

Conditions:
Congenital disorder of glycosylation with defective fucosylation 2 (CDGF2). Identifiers: MedGen C5193028, MONDO:0020777, OMIM 618324.

Allele frequency attached by ClinVar (database versions not stated): gnomAD exomes 0.00002 and 0.00001; gnomAD 0.00006 and 0.00005; 1000 Genomes Project 0.00020; ExAC 0.00002; TOPMed 0.00005; ESP Exome Variant Server 0.00008; 1000 Genomes Project 30x 0.00016.
gnomAD v4.1: 29 of 1,613,956 alleles (0.0018%); highest among the groups gnomAD compares: Admixed American, 0.022%; no homozygotes.

Submissions (2):

Labcorp Genetics (formerly Invitae), Labcorp
Classification: Uncertain significance. Last evaluated: 2025-10-01. Review status: criteria provided, single submitter. Criteria: Invitae Variant Classification Sherloc (09022015). Collection method: clinical testing. Allele origin: germline.
Comment: This sequence change replaces leucine, which is neutral and non-polar, with methionine, which is neutral and non-polar, at codon 127 of the FUK protein (p.Leu127Met). This variant is present in population databases (rs376941268, gnomAD 0.009%). This variant has not been reported in the literature in individuals affected with FUK-related conditions. ClinVar contains an entry for this variant (Variation ID: 1050808). An algorithm developed to predict the effect of missense changes on protein structure and function (PolyPhen-2) suggests that this variant is likely to be disruptive. In summary, the available evidence is currently insufficient to determine the role of this variant in disease. Therefore, it has been classified as a Variant of Uncertain Significance.

Comprehensive Medical Genetic Center, Shiraz University of Medical Sciences
Classification: Uncertain significance for Congenital disorder of glycosylation with defective fucosylation 2. Last evaluated: 2021-03-17. Review status: no assertion criteria provided. Collection method: clinical testing. Allele origin: inherited. Inheritance: Autosomal recessive inheritance. Affected: yes. Observed: 1 variant allele, 1 homozygote. Not counted in ClinVar's aggregate classification.